The following is an entry in ClinVar:

NM_024312.5(GNPTAB):c.2991T>A (p.Tyr997Ter)

Gene: GNPTAB (N-acetylglucosamine-1-phosphate transferase subunits alpha and beta; minus strand). Cytogenetic location: 12q23.2.
Variant type: single nucleotide variant.
Coding change: c.2991T>A on transcript NM_024312.5 (MANE Select); coding-DNA position 2991, T replaced by A.
Protein change: p.Tyr997Ter; replaces tyrosine 997 with a stop codon.
Molecular consequence: nonsense.
Genome position (GRCh38, 1-based): chr12:101,761,271, A>T on the plus strand (T>A on the coding strand, the complement: GNPTAB is on the minus strand). VCF-style: chr12-101761271-A-T. GRCh37 (hg19) VCF-style: chr12-102155049-A-T.
Other names: short protein forms Y997*.
Identifiers: ClinVar variation 1726689 (VCV001726689.3), dbSNP rs1952988471, ClinGen allele CA386295886.

ClinVar aggregate classification (germline): Likely pathogenic (1 of 4 stars; one submission).

Conditions:
GNPTAB-mucolipidosis. Also called: UDP-N-acetylglucosamine-1-phosphotransferase subunit alpha/beta deficiency. Identifiers: MedGen CN322573, MONDO:0100122.

Submission:

Myriad Genetics, Inc.
Classification: Likely pathogenic for GNPTAB-mucolipidosis. Last evaluated: 2021-12-30. Review status: criteria provided, single submitter. Criteria: Myriad Autosomal Dominant, Autosomal Recessive and X-Linked Classification Criteria (2023). Collection method: clinical testing. Allele origin: unknown.
Comment: NM_024312.4(GNPTAB):c.2991T>A(Y997*) is expected to be pathogenic in the context of GNPTAB-related disorders. This variant is predicted to lead to an abnormal or absent protein product due to the creation of a premature termination codon in GNPTAB, a gene where loss-of-function variants are known to be pathogenic. Please note: this variant was assessed in the context of healthy population screening.